The following is an entry in ClinVar:

NM_000548.5(TSC2):c.2307G>A (p.Val769=)

Gene: TSC2 (TSC complex subunit 2; plus strand). Cytogenetic location: 16p13.3.
Variant type: single nucleotide variant.
Coding change: c.2307G>A on transcript NM_000548.5 (MANE Select); coding-DNA position 2307, G replaced by A.
Protein change: p.Val769=; no amino-acid change (valine 769 retained).
Molecular consequence: synonymous variant. On other transcripts: non-coding transcript variant (5).
Genome position (GRCh38, 1-based): chr16:2,072,935, G>A. VCF-style: chr16-2072935-G-A. GRCh37 (hg19) VCF-style: chr16-2122936-G-A.
Other names: c.2307G>A, p.Val769= (NM_001077183.3, NM_001114382.3, NM_001363528.2 and 6 more transcripts); c.2196G>A, p.Val732= (NM_001318827.2, NM_001406670.1, NM_001406678.1); c.2160G>A, p.Val720= (NM_001318829.2, NM_001406675.1, NM_001406676.1 and 1 more transcripts); c.1707G>A, p.Val569= (NM_001318831.2, NM_001406680.1, NM_001406682.1 and 6 more transcripts); c.2340G>A, p.Val780= (NM_001318832.2); c.2397G>A, p.Val799= (NM_001406667.1, NM_001406668.1); c.2295G>A, p.Val765= (NM_001406671.1, NM_001406673.1); c.2250G>A, p.Val750= (NM_001406677.1); and 3 more.
Identifiers: ClinVar variation 1789370 (VCV001789370.8), dbSNP rs1479110270, ClinGen allele CA492952684.

ClinVar aggregate classification (germline): Benign/Likely benign. Review status: criteria provided, multiple submitters, no conflicts (2 of 4 stars). 3 submissions from 3 submitters: Benign (1); Likely benign (2). Last evaluated 2024-06-09.

Conditions:
Hereditary cancer-predisposing syndrome. Also called: Neoplastic Syndromes, Hereditary; Tumor predisposition; Hereditary neoplastic syndrome; Hereditary Cancer Syndrome. Identifiers: Orphanet 140162, MedGen C0027672, MeSH D009386, MONDO:0015356.
Tuberous sclerosis 2 (TSC2). Identifiers: Orphanet 805, MedGen C1860707, MONDO:0013199, OMIM 613254.
Tuberous sclerosis syndrome (TSC). Also called: Tuberous sclerosis; Tuberous Sclerosis Complex. Identifiers: Orphanet 805, MedGen C0041341, MONDO:0001734.

Allele frequency attached by ClinVar (database versions not stated): gnomAD exomes below 0.00001; TOPMed below 0.00001; gnomAD 0.00001.
gnomAD v4.1: 3 of 1,613,514 alleles (0.00019%); highest among the groups gnomAD compares: South Asian, 0.0022%; no homozygotes.

Submissions (3):

Labcorp Genetics (formerly Invitae), Labcorp
Classification: Benign for Tuberous sclerosis 2. Last evaluated: 2024-06-09. Review status: criteria provided, single submitter. Criteria: Invitae Variant Classification Sherloc (09022015). Collection method: clinical testing. Allele origin: germline.

All of Us Research Program, National Institutes of Health
Classification: Likely benign for Tuberous sclerosis syndrome. Last evaluated: 2023-08-28. Review status: criteria provided, single submitter. Criteria: ACMG Guidelines, 2015. Collection method: clinical testing. Allele origin: germline. Inheritance: Autosomal dominant inheritance. Observed: 1 variant allele, 1 heterozygote.
Comment: This study involves interpretation of variants in research participants for the purpose of population health screening. Participant phenotype was not available at the time of variant classification. Additional details can be found in publication PMID: 35346344, PMCID: PMC8962531

Ambry Genetics
Classification: Likely benign for Hereditary cancer-predisposing syndrome. Last evaluated: 2020-12-25. Review status: criteria provided, single submitter. Criteria: Ambry Variant Classification Scheme 2023. Collection method: clinical testing. Allele origin: germline.